The following is an entry in ClinVar:

NM_024408.4(NOTCH2):c.6805G>C (p.Gly2269Arg)

Gene: NOTCH2 (notch receptor 2; minus strand). Cytogenetic location: 1p12.
Variant type: single nucleotide variant.
Coding change: c.6805G>C on transcript NM_024408.4 (MANE Select); coding-DNA position 6805, G replaced by C.
Protein change: p.Gly2269Arg; replaces glycine 2269 with arginine.
Molecular consequence: missense variant.
Genome position (GRCh38, 1-based): chr1:119,915,917, C>G on the plus strand (G>C on the coding strand, the complement: NOTCH2 is on the minus strand). VCF-style: chr1-119915917-C-G. GRCh37 (hg19) VCF-style: chr1-120458540-C-G.
Other names: short protein forms G2269R.
Identifiers: ClinVar variation 2804621 (VCV002804621.4), dbSNP rs1422632649, ClinGen allele CA341875678.

ClinVar aggregate classification (germline): Uncertain significance. Review status: criteria provided, multiple submitters, no conflicts (2 of 4 stars). 2 submissions from 2 submitters: Uncertain significance (2). Last evaluated 2024-06-12.

Conditions:
Alagille syndrome due to a NOTCH2 point mutation. Also called: Alagille syndrome 2. Identifiers: Orphanet 261629, Orphanet 52, MedGen C1857761, MONDO:0012439, OMIM 610205.
Hajdu-Cheney syndrome (HJCYS). Also called: Acroosteolysis dominant type; ACROOSTEOLYSIS WITH OSTEOPOROSIS AND CHANGES IN SKULL AND MANDIBLE; SERPENTINE FIBULA-POLYCYSTIC KIDNEY SYNDROME. Identifiers: Orphanet 955, MedGen C0917715, MONDO:0007057, OMIM 102500.

Allele frequency attached by ClinVar (database versions not stated): gnomAD 0.00001.
gnomAD v4.1: 2 of 1,614,040 alleles (0.00012%); highest among the groups gnomAD compares: African/African-American, 0.0027%; no homozygotes.

Submissions (2):

Fulgent Genetics
Classification: Uncertain significance for Hajdu-Cheney syndrome; Alagille syndrome due to a NOTCH2 point mutation. Last evaluated: 2024-06-12. Review status: criteria provided, single submitter. Criteria: ACMG Guidelines, 2015. Collection method: clinical testing. Allele origin: germline.

Labcorp Genetics (formerly Invitae), Labcorp
Classification: Uncertain significance for Hajdu-Cheney syndrome. Last evaluated: 2024-02-26. Review status: criteria provided, single submitter. Criteria: Invitae Variant Classification Sherloc (09022015). Collection method: clinical testing. Allele origin: germline.
Comment: This sequence change replaces glycine, which is neutral and non-polar, with arginine, which is basic and polar, at codon 2269 of the NOTCH2 protein (p.Gly2269Arg). This variant is present in population databases (no rsID available, gnomAD 0.02%). This variant has not been reported in the literature in individuals affected with NOTCH2-related conditions. Advanced modeling of protein sequence and biophysical properties (such as structural, functional, and spatial information, amino acid conservation, physicochemical variation, residue mobility, and thermodynamic stability) performed at Invitae indicates that this missense variant is not expected to disrupt NOTCH2 protein function with a negative predictive value of 80%. In summary, the available evidence is currently insufficient to determine the role of this variant in disease. Therefore, it has been classified as a Variant of Uncertain Significance.